The following is an entry in ClinVar:

NM_172107.4(KCNQ2):c.725G>T (p.Cys242Phe)

Gene: KCNQ2 (potassium voltage-gated channel subfamily Q member 2; minus strand). Cytogenetic location: 20q13.33.
Variant type: single nucleotide variant.
Coding change: c.725G>T on transcript NM_172107.4 (MANE Select); coding-DNA position 725, G replaced by T.
Protein change: p.Cys242Phe; replaces cysteine 242 with phenylalanine.
Molecular consequence: missense variant.
Genome position (GRCh38, 1-based): chr20:63,442,497, C>A on the plus strand (G>T on the coding strand, the complement: KCNQ2 is on the minus strand). VCF-style: chr20-63442497-C-A. GRCh37 (hg19) VCF-style: chr20-62073850-C-A.
Other names: c.725G>T, p.Cys242Phe (NM_001382235.1, NM_004518.6, NM_172106.3 and 2 more transcripts); short protein forms C242F.
Identifiers: ClinVar variation 2758496 (VCV002758496.3), dbSNP rs2081191454, ClinGen allele CA409653988.

ClinVar aggregate classification (germline): Pathogenic (1 of 4 stars; one submission).

Conditions:
Early-infantile DEE. Also called: Ohtahara syndrome; Early infantile epileptic encephalopathy; Early infantile epileptic encephalopathy with suppression bursts. Identifiers: Orphanet 1934, MedGen C0393706, MONDO:0800491.

Submission:

Labcorp Genetics (formerly Invitae), Labcorp
Classification: Pathogenic for Early-infantile DEE. Last evaluated: 2024-04-25. Review status: criteria provided, single submitter. Criteria: Invitae Variant Classification Sherloc (09022015). Collection method: clinical testing. Allele origin: germline.
Comment: This sequence change replaces cysteine, which is neutral and slightly polar, with phenylalanine, which is neutral and non-polar, at codon 242 of the KCNQ2 protein (p.Cys242Phe). This variant is not present in population databases (gnomAD no frequency). This missense change has been observed in individual(s) with clinical features of epileptic encephalopathy (Invitae). In at least one individual the variant was observed to be de novo. Advanced modeling of protein sequence and biophysical properties (such as structural, functional, and spatial information, amino acid conservation, physicochemical variation, residue mobility, and thermodynamic stability) performed at Invitae indicates that this missense variant is expected to disrupt KCNQ2 protein function with a positive predictive value of 95%. For these reasons, this variant has been classified as Pathogenic.